The following is an entry in ClinVar:

NM_003238.6(TGFB2):c.215dup (p.Asn72fs)

Gene: TGFB2 (transforming growth factor beta 2; plus strand). Cytogenetic location: 1q41.
Variant type: Duplication.
Coding change: c.215dup on transcript NM_003238.6 (MANE Select); coding-DNA position 215, one base duplicated (A; older notation c.215dupA).
Protein change: p.Asn72fs; shifts the reading frame from asparagine 72.
Molecular consequence: frameshift variant. On other transcripts: non-coding transcript variant (2).
Genome position (GRCh38, 1-based): chr1:218,346,916, A duplicated; the last of 2 consecutive A bases (chr1:218,346,915-218,346,916); duplicating either gives the same sequence. VCF-style (leftmost placement, unchanged base first): chr1-218346914-C-CA. GRCh37 (hg19) VCF-style: chr1-218520256-C-CA.
Other names: c.215dup, p.Asn72fs (NM_001135599.4); short protein forms N72fs.
Identifiers: ClinVar variation 4854744 (VCV004854744.1).
Genomic context (GRCh38, chr1:218,346,914, plus strand): 5'-CAGTCCCCCAGAAGACTATCCTGAGCCCGAGGAAGTCCCCCCGGAGGTGATTTCCATCTA[C>CA]AACAGCACCAGGGACTTGCTCCAGGAGAAGGCGAGCCGGAGGGCGGCCGCCTGCGAGCGC-3'

ClinVar aggregate classification (germline): Likely pathogenic (1 of 4 stars; one submission).

Conditions:
Loeys-Dietz syndrome 4 (LDS4). Also called: ANEURYSM, AORTIC AND CEREBRAL, WITH ARTERIAL TORTUOSITY AND SKELETAL MANIFESTATIONS; TGFB2-Related Loeys-Dietz Syndrome. Identifiers: MedGen C3553762, MONDO:0013897, OMIM 614816.

Submission:

3billion
Classification: Likely pathogenic for Loeys-Dietz syndrome 4. Last evaluated: 2025-11-21. Review status: criteria provided, single submitter. Criteria: ACMG Guidelines, 2015. Collection method: clinical testing. Allele origin: germline. Affected: yes.
Comment: The variant is not observed in the gnomAD v4.1.0 dataset. Predicted Consequence/Location: Frameshift: predicted to result in a loss or disruption of normal protein function through nonsense-mediated decay (NMD) or protein truncation. Multiple pathogenic variants are reported downstream of the variant. Therefore, this variant is classified as Likely pathogenic according to the recommendation of ACMG/AMP guideline.